The following is an entry in ClinVar:

ClinVar aggregate classification (germline): Conflicting classifications of pathogenicity. Review status: criteria provided, conflicting classifications (1 of 4 stars). 5 submissions from 5 submitters: Uncertain significance (1); Likely benign (4). Last evaluated 2025-09-09.

Conditions:
Cardiovascular phenotype. Identifiers: MedGen CN230736.
Duchenne muscular dystrophy (DMD). Also called: Duchenne Muscular Dystrophy (DMD); MUSCULAR DYSTROPHY, PSEUDOHYPERTROPHIC PROGRESSIVE, DUCHENNE TYPE. Identifiers: Orphanet 98896, MedGen C0013264, MONDO:0010679, OMIM 310200.

Allele frequency attached by ClinVar (database versions not stated): ExAC 0.00001; gnomAD 0.00003 and 0.00004; gnomAD exomes 0.00008.
gnomAD v4.1: 91 of 1,205,999 alleles (0.0075%); highest among the groups gnomAD compares: Non-Finnish European, 0.01%; no homozygotes.

Submissions (5):

Labcorp Genetics (formerly Invitae), Labcorp
Classification: Likely benign for Duchenne muscular dystrophy. Last evaluated: 2025-09-09. Review status: criteria provided, single submitter. Criteria: Invitae Variant Classification Sherloc (09022015). Collection method: clinical testing. Allele origin: germline.

Women's Health and Genetics/Laboratory Corporation of America, LabCorp
Classification: Likely benign. Last evaluated: 2024-09-25. Review status: criteria provided, single submitter. Criteria: LabCorp Variant Classification Summary - May 2015. Collection method: clinical testing. Allele origin: germline.

Ambry Genetics
Classification: Likely benign for Cardiovascular phenotype. Last evaluated: 2022-05-24. Review status: criteria provided, single submitter. Criteria: Ambry Variant Classification Scheme 2023. Collection method: clinical testing. Allele origin: germline.

GeneDx
Classification: Likely benign. Last evaluated: 2017-10-18. Review status: criteria provided, single submitter. Criteria: GeneDx Variant Classification (06012015). Collection method: clinical testing. Allele origin: germline. Affected: yes.
Comment: This variant is considered likely benign or benign based on one or more of the following criteria: it is a conservative change, it occurs at a poorly conserved position in the protein, it is predicted to be benign by multiple in silico algorithms, and/or has population frequency not consistent with disease.

Eurofins Ntd Llc (ga)
Classification: Uncertain significance. Last evaluated: 2017-01-30. Review status: criteria provided, single submitter. Criteria: EGL Classification Definitions 2015. Collection method: clinical testing. Allele origin: germline. Observed: 3 variant alleles, 1 heterozygote, 2 hemizygotes.

NM_004006.3(DMD):c.5530C>A (p.Arg1844=)

Gene: DMD (dystrophin; minus strand). Cytogenetic location: Xp21.1.
Variant type: single nucleotide variant.
Coding change: c.5530C>A on transcript NM_004006.3 (MANE Select); coding-DNA position 5530, C replaced by A.
Protein change: p.Arg1844=; no amino-acid change (arginine 1844 retained).
Molecular consequence: synonymous variant.
Genome position (GRCh38, 1-based): chrX:32,345,999, G>T on the plus strand (C>A on the coding strand, the complement: DMD is on the minus strand). VCF-style: chrX-32345999-G-T. GRCh37 (hg19) VCF-style: chrX-32364116-G-T.
Other names: c.5506C>A, p.Arg1836= (NM_000109.4); c.5518C>A, p.Arg1840= (NM_004009.3); c.5161C>A, p.Arg1721= (NM_004010.3); c.1507C>A, p.Arg503= (NM_004011.4); c.1498C>A, p.Arg500= (NM_004012.4).
Identifiers: ClinVar variation 289167 (VCV000289167.18), dbSNP rs1064325, ClinGen allele CA10378661.